The following is an entry in ClinVar:

NM_022124.6(CDH23):c.2067G>A (p.Thr689=)

Gene: CDH23 (cadherin related 23; plus strand). Cytogenetic location: 10q22.1.
Variant type: single nucleotide variant.
Coding change: c.2067G>A on transcript NM_022124.6 (MANE Select); coding-DNA position 2067, G replaced by A.
Protein change: p.Thr689=; no amino-acid change (threonine 689 retained).
Molecular consequence: synonymous variant.
Genome position (GRCh38, 1-based): chr10:71,690,475, G>A. VCF-style: chr10-71690475-G-A. GRCh37 (hg19) VCF-style: chr10-73450232-G-A.
Other names: c.2067G>A, p.Thr689= (NM_001171930.2, NM_001171931.2).
Identifiers: ClinVar variation 227219 (VCV000227219.15), dbSNP rs876657437, ClinGen allele CA10576809.

ClinVar aggregate classification (germline): Likely benign. Review status: criteria provided, multiple submitters, no conflicts (2 of 4 stars). 3 submissions from 3 submitters: Likely benign (3). Last evaluated 2024-03-03.

Allele frequency attached by ClinVar (database versions not stated): gnomAD exomes 0.00001; TOPMed 0.00001; gnomAD 0.00002.
gnomAD v4.1: 17 of 1,601,892 alleles (0.0011%); highest among the groups gnomAD compares: East Asian, 0.0068%; no homozygotes.

Submissions (3):

Labcorp Genetics (formerly Invitae), Labcorp
Classification: Likely benign. Last evaluated: 2024-03-03. Review status: criteria provided, single submitter. Criteria: Invitae Variant Classification Sherloc (09022015). Collection method: clinical testing. Allele origin: germline.

Blueprint Genetics
Classification: Likely benign. Last evaluated: 2022-09-06. Review status: criteria provided, single submitter. Criteria: ACMG Guidelines, 2015. Collection method: clinical testing. Allele origin: germline.

Laboratory for Molecular Medicine, Mass General Brigham Personalized Medicine
Classification: Likely benign. Last evaluated: 2014-12-24. Review status: criteria provided, single submitter. Criteria: LMM Criteria. Collection method: clinical testing. Allele origin: germline. Observed: 1 variant allele.
Comment: p.Thr689Thr in exon 20 of CDH23: This variant is not expected to have clinical s ignificance because it does not alter an amino acid residue and is not located w ithin the splice consensus sequence.